The following is an entry in ClinVar:

NM_004991.4(MECOM):c.3644G>T (p.Ser1215Ile)

Gene: MECOM (MDS1 and EVI1 complex locus; minus strand). Cytogenetic location: 3q26.2.
Variant type: single nucleotide variant.
Coding change: c.3644G>T on transcript NM_004991.4 (MANE Select); coding-DNA position 3644, G replaced by T.
Protein change: p.Ser1215Ile; replaces serine 1215 with isoleucine.
Molecular consequence: missense variant.
Genome position (GRCh38, 1-based): chr3:169,084,985, C>A on the plus strand (G>T on the coding strand, the complement: MECOM is on the minus strand). VCF-style: chr3-169084985-C-A. GRCh37 (hg19) VCF-style: chr3-168802773-C-A.
Other names: c.3275G>T, p.Ser1092Ile (NM_001105077.4); c.3080G>T, p.Ser1027Ile (NM_001105078.4, NM_001205194.2, NM_001366469.2 and 1 more transcripts); c.3056G>T, p.Ser1019Ile (NM_001163999.2, NM_001366470.2); c.3053G>T, p.Ser1018Ile (NM_001164000.2, NM_001366471.2, NM_001366472.2); c.3617G>T, p.Ser1206Ile (NM_001366466.2); c.3083G>T, p.Ser1028Ile (NM_001366467.2, NM_001366468.2); c.2645G>T, p.Ser882Ile (NM_001366473.2); c.2081G>T, p.Ser694Ile (NM_001366474.2); short protein forms S1028I, S694I, S1092I, S882I, S1019I, S1206I, S1018I, S1027I.
Identifiers: ClinVar variation 4053306 (VCV004053306.2).

ClinVar aggregate classification (germline): Uncertain significance. Review status: criteria provided, multiple submitters, no conflicts (2 of 4 stars). 2 submissions from 2 submitters: Uncertain significance (2). Last evaluated 2025-05-31.

Conditions:
Inborn genetic diseases. Identifiers: MedGen C0950123, MeSH D030342.

gnomAD v4.1: 20 of 1,613,992 alleles (0.0012%); highest among the groups gnomAD compares: Non-Finnish European, 0.0016%; no homozygotes.

Submissions (2):

Ambry Genetics
Classification: Uncertain significance for Inborn genetic diseases. Last evaluated: 2025-05-31. Review status: criteria provided, single submitter. Criteria: Ambry Variant Classification Scheme 2023. Collection method: clinical testing. Allele origin: germline.
Comment: The p.S1215I variant (also known as c.3644G>T), located in coding exon 17 of the MECOM gene, results from a G to T substitution at nucleotide position 3644. The serine at codon 1215 is replaced by isoleucine, an amino acid with dissimilar properties. This amino acid position is conserved. In addition, this alteration is predicted to be tolerated by in silico analysis. Based on the available evidence, the clinical significance of this variant remains unclear.

Labcorp Genetics (formerly Invitae), Labcorp
Classification: Uncertain significance. Last evaluated: 2025-04-20. Review status: criteria provided, single submitter. Criteria: Invitae Variant Classification Sherloc (09022015). Collection method: clinical testing. Allele origin: germline.
Comment: This sequence change replaces serine, which is neutral and polar, with isoleucine, which is neutral and non-polar, at codon 1027 of the MECOM protein (p.Ser1027Ile). This variant is present in population databases (rs770720558, gnomAD 0.0009%). This variant has not been reported in the literature in individuals affected with MECOM-related conditions. Experimental studies and prediction algorithms are not available or were not evaluated, and the functional significance of this variant is currently unknown. In summary, the available evidence is currently insufficient to determine the role of this variant in disease. Therefore, it has been classified as a Variant of Uncertain Significance.